The following is an entry in ClinVar:

NM_001018115.3(FANCD2):c.2004C>G (p.Ser668=)

Genes: FANCD2 (FA complementation group D2; plus strand), LOC107303338 (3p25 FANCD2 Alu-mediated recombination region; plus strand). Cytogenetic location: 3p25.3.
Variant type: single nucleotide variant.
Coding change: c.2004C>G on transcript NM_001018115.3 (MANE Select); coding-DNA position 2004, C replaced by G.
Protein change: p.Ser668=; no amino-acid change (serine 668 retained).
Molecular consequence: synonymous variant.
Genome position (GRCh38, 1-based): chr3:10,064,412, C>G. VCF-style: chr3-10064412-C-G. GRCh37 (hg19) VCF-style: chr3-10106096-C-G.
Other names: c.2004C>G (NM_001018115.2); c.2004C>G, p.Ser668= (NM_001319984.2, NM_001374254.1, NM_033084.6); c.1893C>G, p.Ser631= (NM_001374253.1).
Identifiers: ClinVar variation 1692038 (VCV001692038.7), dbSNP rs138189144, ClinGen allele CA2249915.

ClinVar aggregate classification (germline): Conflicting classifications of pathogenicity. Review status: criteria provided, conflicting classifications (1 of 4 stars). 4 submissions from 4 submitters: Uncertain significance (1); Likely benign (2). 1 of the submissions does not count toward it. Last evaluated 2026-01-25.

Conditions:
FANCD2-related disorder. Also called: FANCD2-related condition.
Fanconi anemia (FA). Also called: Fanconi's anemia. Identifiers: Orphanet 84, MedGen C0015625, MeSH D005199, MONDO:0019391.

Allele frequency attached by ClinVar (database versions not stated): gnomAD 0.00017; ExAC 0.00043; 1000 Genomes Project 30x 0.00047; gnomAD exomes 0.00001; ESP Exome Variant Server 0.00008.

Submissions (4):

Labcorp Genetics (formerly Invitae), Labcorp
Classification: Likely benign for Fanconi anemia. Last evaluated: 2026-01-25. Review status: criteria provided, single submitter. Criteria: Invitae Variant Classification Sherloc (09022015). Collection method: clinical testing. Allele origin: germline.

Blueprint Genetics
Classification: Likely benign. Last evaluated: 2024-11-26. Review status: criteria provided, single submitter. Criteria: ACMG Guidelines, 2015. Collection method: clinical testing. Allele origin: germline.

Sema4
Classification: Uncertain significance for Fanconi anemia. Last evaluated: 2022-01-02. Review status: criteria provided, single submitter. Criteria: Sema4 Curation Guidelines. Collection method: curation. Allele origin: germline.
Comment: The FANCD2 c.2004C>G (p.S668=) variant has not been reported in the literature to our knowledge. It was observed in 7/24816 chromosomes of the African/African American subpopulation in the large and broad cohorts of the Genome Aggregation Database (PMID: 32461654). The variant has not been reported in ClinVar. Splice site prediction tools suggest the variant may disrupt normal splicing, however these predictions have not been confirmed by published transcriptional studies. The evidence is insufficient to meet ACMG/AMP criteria for classifying the variant as benign or pathogenic. Thus, the clinical significance of this variant is currently uncertain.

PreventionGenetics, part of Exact Sciences
Classification: Likely benign for FANCD2-related condition. Last evaluated: 2020-01-08. Review status: no assertion criteria provided. Collection method: clinical testing. Allele origin: germline. Not counted in ClinVar's aggregate classification.
Comment: This variant is classified as likely benign based on ACMG/AMP sequence variant interpretation guidelines (Richards et al. 2015 PMID: 25741868, with internal and published modifications).